The following is an entry in ClinVar:

NM_001271.4(CHD2):c.4693-178C>T

Gene: CHD2 (chromodomain helicase DNA binding protein 2; plus strand). Cytogenetic location: 15q26.1.
Variant type: single nucleotide variant.
Coding change: c.4693-178C>T on transcript NM_001271.4 (MANE Select); 178 bases into the intron before coding-DNA position 4693, C replaced by T.
Molecular consequence: intron variant.
Genome position (GRCh38, 1-based): chr15:93,014,518, C>T. VCF-style: chr15-93014518-C-T. GRCh37 (hg19) VCF-style: chr15-93557748-C-T.
Identifiers: ClinVar variation 680219 (VCV000680219.1), dbSNP rs62023154, ClinGen allele CA14155061.
Genomic context (GRCh38, chr15:93,014,518, plus strand): 5'-TGTGTTCTTGCAGGTACTTAGCAGTAATGGTCAAACTCAGCATAAATTCCACTGAGTTCC[C>T]CCAGCAAATAGCCTAACAGTGGAATTTATGAGCCTTTTTTTTGTTAGGAGGTAGTAAACG-3'

ClinVar aggregate classification (germline): Benign (1 of 4 stars; one submission).

Allele frequency attached by ClinVar (database versions not stated): 1000 Genomes Project 30x 0.06746; 1000 Genomes Project 0.06869; TOPMed 0.09644; gnomAD 0.11586 and 0.11594.
gnomAD v4.1: 17,533 of 152,194 alleles (12%); highest among the groups gnomAD compares: Non-Finnish European, 17%; 1,333 homozygotes.

Submission:

GeneDx
Classification: Benign. Last evaluated: 2018-06-19. Review status: criteria provided, single submitter. Criteria: GeneDx Variant Classification (06012015). Collection method: clinical testing. Allele origin: germline. Affected: yes.
Comment: This variant is considered likely benign or benign based on one or more of the following criteria: it is a conservative change, it occurs at a poorly conserved position in the protein, it is predicted to be benign by multiple in silico algorithms, and/or has population frequency not consistent with disease.